The following is an entry in ClinVar:

ClinVar aggregate classification (germline): Likely benign. Review status: criteria provided, single submitter (1 of 4 stars). 2 submissions from 2 submitters: Likely benign (1). 1 of the submissions does not count toward it. Last evaluated 2025-09-10.

Conditions:
FAT1-related disorder. Also called: FAT1-related condition.

Allele frequency attached by ClinVar (database versions not stated): gnomAD 0.00005; TOPMed 0.00005; gnomAD exomes 0.00009; ExAC 0.00018.
gnomAD v4.1: 137 of 1,613,784 alleles (0.0085%); highest among the groups gnomAD compares: Middle Eastern, 0.033%; no homozygotes.

Submissions (2):

Labcorp Genetics (formerly Invitae), Labcorp
Classification: Likely benign. Last evaluated: 2025-09-10. Review status: criteria provided, single submitter. Criteria: Invitae Variant Classification Sherloc (09022015). Collection method: clinical testing. Allele origin: germline.

PreventionGenetics, part of Exact Sciences
Classification: Likely benign for FAT1-related condition. Last evaluated: 2020-01-29. Review status: no assertion criteria provided. Collection method: clinical testing. Allele origin: germline. Not counted in ClinVar's aggregate classification.
Comment: This variant is classified as likely benign based on ACMG/AMP sequence variant interpretation guidelines (Richards et al. 2015 PMID: 25741868, with internal and published modifications).

NM_005245.4(FAT1):c.12051C>T (p.Cys4017=)

Gene: FAT1 (FAT atypical cadherin 1; minus strand). Cytogenetic location: 4q35.2.
Variant type: single nucleotide variant.
Coding change: c.12051C>T on transcript NM_005245.4 (MANE Select); coding-DNA position 12051, C replaced by T.
Protein change: p.Cys4017=; no amino-acid change (cysteine 4017 retained).
Molecular consequence: synonymous variant.
Genome position (GRCh38, 1-based): chr4:186,599,950, G>A on the plus strand (C>T on the coding strand, the complement: FAT1 is on the minus strand). VCF-style: chr4-186599950-G-A. GRCh37 (hg19) VCF-style: chr4-187521104-G-A.
Other names: c.12051C>T (NM_005245.3).
Identifiers: ClinVar variation 1981541 (VCV001981541.6), dbSNP rs766532715, ClinGen allele CA3164962.